The following is an entry in ClinVar:

ClinVar aggregate classification (germline): Uncertain significance. Review status: criteria provided, multiple submitters, no conflicts (2 of 4 stars). 4 submissions from 4 submitters: Uncertain significance (4). Last evaluated 2024-11-11.

Conditions:
Proteosome-associated autoinflammatory syndrome. Also called: Proteasome-associated autoinflammatory syndrome. Identifiers: Orphanet 324977, MedGen C1850568, MONDO:0009726.
Inborn genetic diseases. Identifiers: MedGen C0950123, MeSH D030342.

Allele frequency attached by ClinVar (database versions not stated): gnomAD exomes 0.00005 and 0.00006; ExAC 0.00006; gnomAD 0.00014 and 0.00015; TOPMed 0.00016; 1000 Genomes Project 0.00080; 1000 Genomes Project 30x 0.00094.
gnomAD v4.1: 100 of 1,613,036 alleles (0.0062%); highest among the groups gnomAD compares: African/African-American, 0.048%; no homozygotes.

Submissions (4):

Labcorp Genetics (formerly Invitae), Labcorp
Classification: Uncertain significance for Proteosome-associated autoinflammatory syndrome. Last evaluated: 2024-11-11. Review status: criteria provided, single submitter. Criteria: Invitae Variant Classification Sherloc (09022015). Collection method: clinical testing. Allele origin: germline.
Comment: This sequence change replaces alanine, which is neutral and non-polar, with serine, which is neutral and polar, at codon 224 of the PSMB8 protein (p.Ala224Ser). This variant is present in population databases (rs114636648, gnomAD 0.07%). This variant has not been reported in the literature in individuals affected with PSMB8-related conditions. ClinVar contains an entry for this variant (Variation ID: 577366). Invitae Evidence Modeling of protein sequence and biophysical properties (such as structural, functional, and spatial information, amino acid conservation, physicochemical variation, residue mobility, and thermodynamic stability) has been performed for this missense variant. However, the output from this modeling did not meet the statistical confidence thresholds required to predict the impact of this variant on PSMB8 protein function. In summary, the available evidence is currently insufficient to determine the role of this variant in disease. Therefore, it has been classified as a Variant of Uncertain Significance.

Blueprint Genetics
Classification: Uncertain significance. Last evaluated: 2024-08-13. Review status: criteria provided, single submitter. Criteria: ACMG Guidelines, 2015. Collection method: clinical testing. Allele origin: germline.

Ambry Genetics
Classification: Uncertain significance for Inborn genetic diseases. Last evaluated: 2024-03-19. Review status: criteria provided, single submitter. Criteria: Ambry Variant Classification Scheme 2023. Collection method: clinical testing. Allele origin: germline.

Mayo Clinic Laboratories, Mayo Clinic
Classification: Uncertain significance. Last evaluated: 2023-03-02. Review status: criteria provided, single submitter. Criteria: ACMG Guidelines, 2015. Collection method: clinical testing. Allele origin: germline. Observed: 1 variant allele.

NM_148919.4(PSMB8):c.670G>T (p.Ala224Ser)

Gene: PSMB8 (proteasome 20S subunit beta 8; minus strand). Cytogenetic location: 6p21.32.
Variant type: single nucleotide variant.
Coding change: c.670G>T on transcript NM_148919.4 (MANE Select); coding-DNA position 670, G replaced by T.
Protein change: p.Ala224Ser; replaces alanine 224 with serine.
Molecular consequence: missense variant.
Genome position (GRCh38, 1-based): chr6:32,841,603, C>A on the plus strand (G>T on the coding strand, the complement: PSMB8 is on the minus strand). VCF-style: chr6-32841603-C-A. GRCh37 (hg19) VCF-style: chr6-32809380-C-A.
Other names: p.Ala224Ser; c.658G>T, p.Ala220Ser (NM_004159.5, LRG_1328t2); c.670G>T, p.Ala224Ser (LRG_1328t1); short protein forms A220S, A224S.
Identifiers: ClinVar variation 577366 (VCV000577366.12), dbSNP rs114636648, ClinGen allele CA3746316.
Genomic context (GRCh38, chr6:32,841,603, plus strand): 5'-CTCCAGAATAGCTGTCTCTGTGAGTGGCATAAGCAATAGCCCTGCGGCCAAGGTCATAGG[C>A]CTCTTCAGGGCTAAGATTAGGCCGATAGCCACTGTCCATGACCCCGTAGGCATAAGTGTT-3'
Protein context (NP_683720.2, residues 214-234): GYRPNLSPEE[Ala224Ser]YDLGRRAIAY